The following is an entry in ClinVar:

NM_012064.4(MIP):c.516C>T (p.His172=)

Gene: MIP (major intrinsic protein of lens fiber; minus strand). Cytogenetic location: 12q13.3.
Variant type: single nucleotide variant.
Coding change: c.516C>T on transcript NM_012064.4 (MANE Select); coding-DNA position 516, C replaced by T.
Protein change: p.His172=; no amino-acid change (histidine 172 retained).
Molecular consequence: synonymous variant.
Genome position (GRCh38, 1-based): chr12:56,453,600, G>A on the plus strand (C>T on the coding strand, the complement: MIP is on the minus strand). VCF-style: chr12-56453600-G-A. GRCh37 (hg19) VCF-style: chr12-56847384-G-A.
Identifiers: ClinVar variation 474239 (VCV000474239.16), dbSNP rs36032520, ClinGen allele CA6632560.

ClinVar aggregate classification (germline): Benign/Likely benign. Review status: criteria provided, multiple submitters, no conflicts (2 of 4 stars). 3 submissions from 3 submitters: Benign (2); Likely benign (1). Last evaluated 2025-12-30.

Conditions:
Cataract 15 multiple types. Also called: CATARACT 15, LAMELLAR WITH SUTURAL OPACITIES. Identifiers: Orphanet 91492, MedGen C3809001, MONDO:0014110, OMIM 615274.

Allele frequency attached by ClinVar (database versions not stated): gnomAD exomes 0.00018 and 0.00054; ExAC 0.00070; 1000 Genomes Project 0.00180; 1000 Genomes Project 30x 0.00187; TOPMed 0.00221; gnomAD 0.00224 and 0.00232; ESP Exome Variant Server 0.00300.
gnomAD v4.1: 607 of 1,614,276 alleles (0.038%); highest among the groups gnomAD compares: African/African-American, 0.75%; 5 homozygotes.

Submissions (3):

Labcorp Genetics (formerly Invitae), Labcorp
Classification: Benign for Cataract 15 multiple types. Last evaluated: 2025-12-30. Review status: criteria provided, single submitter. Criteria: Invitae Variant Classification Sherloc (09022015). Collection method: clinical testing. Allele origin: germline.

Blueprint Genetics
Classification: Likely benign. Last evaluated: 2024-09-13. Review status: criteria provided, single submitter. Criteria: ACMG Guidelines, 2015. Collection method: clinical testing. Allele origin: germline.

Illumina Laboratory Services, Illumina
Classification: Benign for Cataract 15 multiple types. Last evaluated: 2018-01-13. Review status: criteria provided, single submitter. Criteria: ICSL Variant Classification Criteria 13 December 2019. Collection method: clinical testing. Allele origin: germline.
Comment: This variant was observed in the ICSL laboratory as part of a predisposition screen in an ostensibly healthy population. It had not been previously curated by ICSL or reported in the Human Gene Mutation Database (HGMD: prior to June 1st, 2018), and was therefore a candidate for classification through an automated scoring system. Utilizing variant allele frequency, disease prevalence and penetrance estimates, and inheritance mode, an automated score was calculated to assess if this variant is too frequent to cause the disease. Based on the score and internal cut-off values, a variant classified as benign is not then subjected to further curation. The score for this variant resulted in a classification of benign for this disease.